The following is an entry in ClinVar:

NM_004333.6(BRAF):c.1574T>A (p.Leu525Gln)

Gene: BRAF (B-Raf proto-oncogene, serine/threonine kinase; minus strand). Cytogenetic location: 7q34.
Variant type: single nucleotide variant.
Coding change: c.1574T>A on transcript NM_004333.6 (MANE Select); coding-DNA position 1574, T replaced by A.
Protein change: p.Leu525Gln; replaces leucine 525 with glutamine.
Molecular consequence: missense variant.
Genome position (GRCh38, 1-based): chr7:140,777,032, A>T on the plus strand (T>A on the coding strand, the complement: BRAF is on the minus strand). VCF-style: chr7-140777032-A-T. GRCh37 (hg19) VCF-style: chr7-140476832-A-T.
Other names: c.1574T>A, p.Leu525Gln (NM_001354609.2, NM_001378468.1, NM_001378474.1); c.1694T>A, p.Leu565Gln (NM_001374244.1, NM_001374258.1); c.1583T>A, p.Leu528Gln (NM_001378467.1); c.1508T>A, p.Leu503Gln (NM_001378469.1); c.1472T>A, p.Leu491Gln (NM_001378470.1); c.1463T>A, p.Leu488Gln (NM_001378471.1); c.1418T>A, p.Leu473Gln (NM_001378472.1, NM_001378473.1); c.1310T>A, p.Leu437Gln (NM_001378475.1); short protein forms L525Q, L437Q, L473Q, L488Q, L491Q, L503Q, L528Q, L565Q.
Identifiers: ClinVar variation 520890 (VCV000520890.45), dbSNP rs869025340, ClinGen allele CA369588212.

ClinVar aggregate classification (germline): Pathogenic/Likely pathogenic. Review status: criteria provided, multiple submitters, no conflicts (2 of 4 stars). 5 submissions from 5 submitters: Pathogenic (4); Likely pathogenic (1). Last evaluated 2023-09-11.

Conditions:
RASopathy. Also called: Noonan spectrum disorder; rasopathies. Identifiers: Orphanet 536391, MedGen C5555857, MONDO:0021060.
Inborn genetic diseases. Identifiers: MedGen C0950123, MeSH D030342.
Cardiofaciocutaneous syndrome 1 (CFC1). Also called: BRAF-Related Cardiofaciocutaneous Syndrome. Identifiers: Orphanet 1340, MedGen CN029449, MONDO:0007265, OMIM 115150. Disease mechanism: gain of function.

Submissions (5):

GeneDx
Classification: Pathogenic. Last evaluated: 2023-09-11. Review status: criteria provided, single submitter. Criteria: GeneDx Variant Classification Process June 2021. Collection method: clinical testing. Allele origin: germline. Affected: yes.
Comment: Not observed at significant frequency in large population cohorts (gnomAD); Missense variants in this gene are often considered pathogenic (HGMD); In silico analysis supports that this missense variant has a deleterious effect on protein structure/function; Apparently de novo variant in a patient with dystonia, however specific clinical information was not provided (Dzinovic et al., 2022); This variant is associated with the following publications: (PMID: 33949708, 31573083, 35872528)

Labcorp Genetics (formerly Invitae), Labcorp
Classification: Pathogenic for RASopathy. Last evaluated: 2022-10-13. Review status: criteria provided, single submitter. Criteria: Invitae Variant Classification Sherloc (09022015). Collection method: clinical testing. Allele origin: germline.
Comment: For these reasons, this variant has been classified as Pathogenic. Advanced modeling of protein sequence and biophysical properties (such as structural, functional, and spatial information, amino acid conservation, physicochemical variation, residue mobility, and thermodynamic stability) performed at Invitae indicates that this missense variant is not expected to disrupt BRAF protein function. ClinVar contains an entry for this variant (Variation ID: 520890). This missense change has been observed in individual(s) with clinical features of Noonan syndrome (Invitae). In at least one individual the variant was observed to be de novo. This variant is not present in population databases (gnomAD no frequency). This sequence change replaces leucine, which is neutral and non-polar, with glutamine, which is neutral and polar, at codon 525 of the BRAF protein (p.Leu525Gln).

CeGaT Center for Human Genetics Tuebingen
Classification: Likely pathogenic. Last evaluated: 2021-05-01. Review status: criteria provided, single submitter. Criteria: CeGaT Center For Human Genetics Tuebingen Variant Classification Criteria Version 2. Collection method: clinical testing. Allele origin: germline. Affected: yes. Observed: 1 variant allele.

Institute of Human Genetics Munich, TUM University Hospital
Classification: Pathogenic for Cardiofaciocutaneous syndrome 1. Last evaluated: 2020-08-14. Review status: criteria provided, single submitter. Criteria: Classification criteria August 2017. Collection method: clinical testing. Allele origin: de novo. Inheritance: Autosomal dominant inheritance. Affected: yes. Observed: 1 variant allele.

Ambry Genetics
Classification: Pathogenic for Inborn genetic diseases. Last evaluated: 2015-12-02. Review status: criteria provided, single submitter. Criteria: Ambry exome assertion method (8-5-2015). Collection method: clinical testing. Allele origin: germline. Affected: yes. Observed: 1 variant allele.

Literature cited by the submitters: PubMed 17551924 (cited by Ambry Genetics); PubMed 17555829 (cited by Ambry Genetics); PubMed 19206169 (cited by Ambry Genetics).